The following is an entry in ClinVar:

ClinVar aggregate classification (germline): Uncertain significance (1 of 4 stars; one submission).

Allele frequency attached by ClinVar (database versions not stated): gnomAD exomes 0.00001; TOPMed 0.00001; gnomAD 0.00003; ExAC 0.00005.
gnomAD v4.1: 25 of 1,612,564 alleles (0.0016%); highest among the groups gnomAD compares: Admixed American, 0.01%; no homozygotes.

Submission:

Labcorp Genetics (formerly Invitae), Labcorp
Classification: Uncertain significance. Last evaluated: 2022-07-30. Review status: criteria provided, single submitter. Criteria: Invitae Variant Classification Sherloc (09022015). Collection method: clinical testing. Allele origin: germline.
Comment: This sequence change replaces threonine, which is neutral and polar, with methionine, which is neutral and non-polar, at codon 512 of the CACNA1B protein (p.Thr512Met). This variant is present in population databases (rs759452177, gnomAD 0.01%). This variant has not been reported in the literature in individuals affected with CACNA1B-related conditions. Advanced modeling of protein sequence and biophysical properties (such as structural, functional, and spatial information, amino acid conservation, physicochemical variation, residue mobility, and thermodynamic stability) performed at Invitae indicates that this missense variant is not expected to disrupt CACNA1B protein function. In summary, the available evidence is currently insufficient to determine the role of this variant in disease. Therefore, it has been classified as a Variant of Uncertain Significance.

NM_000718.4(CACNA1B):c.1535C>T (p.Thr512Met)

Gene: CACNA1B (calcium voltage-gated channel subunit alpha1 B; plus strand). Cytogenetic location: 9q34.3.
Variant type: single nucleotide variant.
Coding change: c.1535C>T on transcript NM_000718.4 (MANE Select); coding-DNA position 1535, C replaced by T.
Protein change: p.Thr512Met; replaces threonine 512 with methionine.
Molecular consequence: missense variant.
Genome position (GRCh38, 1-based): chr9:137,971,584, C>T. VCF-style: chr9-137971584-C-T. GRCh37 (hg19) VCF-style: chr9-140866036-C-T.
Other names: c.1535C>T, p.Thr512Met (NM_001243812.2); short protein forms T512M.
Identifiers: ClinVar variation 2172468 (VCV002172468.1), dbSNP rs759452177, ClinGen allele CA5376190.